The following is an entry in ClinVar:

NM_000487.6(ARSA):c.225-1G>A

Gene: ARSA (arylsulfatase A; minus strand). Cytogenetic location: 22q13.33.
Variant type: single nucleotide variant.
Coding change: c.225-1G>A on transcript NM_000487.6 (MANE Select); the canonical splice acceptor site of the intron before coding-DNA position 225, G replaced by A.
Molecular consequence: splice acceptor variant.
Genome position (GRCh38, 1-based): chr22:50,627,407, C>T on the plus strand (G>A on the coding strand, the complement: ARSA is on the minus strand). VCF-style: chr22-50627407-C-T. GRCh37 (hg19) VCF-style: chr22-51065835-C-T.
Other names: c.-34-1G>A (NM_001362782.2, NM_001085428.3); c.225-1G>A (NM_001085427.3, NM_001085426.3, NM_001085425.3).
Identifiers: ClinVar variation 4850937 (VCV004850937.2).
Genomic context (GRCh38, chr22:50,627,407, plus strand): 5'-ACCAGGACGCCAGGGTACATGCCCATCCGAACCGGGAGCCGGCCGGTCAGGAGGGCGGCC[C>T]TGCGGGACAAGTCACAGAGTCCCTGAGACAGACAGAAATGTGGCCTTCCCTAGAGAGAGA-3'

ClinVar aggregate classification (germline): Likely pathogenic (1 of 4 stars; one submission).

Conditions:
Metachromatic leukodystrophy (MLD). Also called: ARSA DEFICIENCY; CEREBROSIDE SULFATASE DEFICIENCY; METACHROMATIC LEUKOENCEPHALOPATHY; Cerebral sclerosis diffuse metachromatic form; Arylsulfatase A Deficiency; SULFATIDE LIPIDOSIS. Identifiers: Orphanet 512, MedGen C0023522, MONDO:0018868, OMIM 250100.

Submission:

Laboratory of Experimental Gene Therapy of Hereditary Metabolic Diseases, Research Centre for Medical Genetics
Classification: Likely pathogenic for Metachromatic leukodystrophy. Last evaluated: 2026-09-17. Review status: criteria provided, single submitter. Criteria: ARSA MLD Assertion Criteria V2 2026 09 18. Collection method: clinical testing. Allele origin: germline. Inheritance: Autosomal recessive inheritance. Affected: yes. Observed: 1 variant allele, 1 compound heterozygote.
Comment: Reassessed under ACMG/AMP 2015 with ClinGen SVI refinements and a Bayesian point framework (supporting=1, moderate=2, strong=4, very strong=8; 6-9 points=likely pathogenic; >=10 points=pathogenic). Final score: 9. Evidence applied: PVS1_VeryStrong, PM2_Supporting. Observations from the present referral series were excluded from classification.